The following is an entry in ClinVar:

NM_001164760.2(PRKAR1B):c.415G>T (p.Ala139Ser)

Gene: PRKAR1B (protein kinase cAMP-dependent type I regulatory subunit beta; minus strand). Cytogenetic location: 7p22.3.
Variant type: single nucleotide variant.
Coding change: c.415G>T on transcript NM_001164760.2 (MANE Select); coding-DNA position 415, G replaced by T.
Protein change: p.Ala139Ser; replaces alanine 139 with serine.
Molecular consequence: missense variant.
Genome position (GRCh38, 1-based): chr7:677,254, C>A on the plus strand (G>T on the coding strand, the complement: PRKAR1B is on the minus strand). VCF-style: chr7-677254-C-A. GRCh37 (hg19) VCF-style: chr7-716891-C-A.
Other names: p.Ala139Ser; c.415G>T, p.Ala139Ser (NM_001164758.2, NM_001164759.1, NM_001164761.2 and 2 more transcripts); short protein forms A139S.
Identifiers: ClinVar variation 759832 (VCV000759832.4), dbSNP rs185641179, ClinGen allele CA4110161.

ClinVar aggregate classification (germline): Benign/Likely benign. Review status: criteria provided, multiple submitters, no conflicts (2 of 4 stars). 2 submissions from 2 submitters: Benign (1); Likely benign (1). Last evaluated 2025-05-12.

Allele frequency attached by ClinVar (database versions not stated): 1000 Genomes Project 0.00020; gnomAD 0.00035; 1000 Genomes Project 30x 0.00031; TOPMed 0.00022.
gnomAD v4.1: 60 of 1,614,198 alleles (0.0037%); highest among the groups gnomAD compares: East Asian, 0.13%; no homozygotes.

Submissions (2):

Mayo Clinic Laboratories, Mayo Clinic
Classification: Benign. Last evaluated: 2025-05-12. Review status: criteria provided, single submitter. Criteria: ACMG Guidelines, 2015. Collection method: clinical testing. Allele origin: germline. Observed: 1 variant allele.
Comment: BS1, BS2, BP4

Labcorp Genetics (formerly Invitae), Labcorp
Classification: Likely benign. Last evaluated: 2018-07-11. Review status: criteria provided, single submitter. Criteria: Invitae Variant Classification Sherloc (09022015). Collection method: clinical testing. Allele origin: germline.